The following is an entry in ClinVar:

NM_003183.6(ADAM17):c.143C>T (p.Ser48Phe)

Gene: ADAM17 (ADAM metallopeptidase domain 17; minus strand). Cytogenetic location: 2p25.1.
Variant type: single nucleotide variant.
Coding change: c.143C>T on transcript NM_003183.6 (MANE Select); coding-DNA position 143, C replaced by T.
Protein change: p.Ser48Phe; replaces serine 48 with phenylalanine.
Molecular consequence: missense variant. On other transcripts: 5 prime UTR variant (2).
Genome position (GRCh38, 1-based): chr2:9,543,240, G>A on the plus strand (C>T on the coding strand, the complement: ADAM17 is on the minus strand). VCF-style: chr2-9543240-G-A. GRCh37 (hg19) VCF-style: chr2-9683369-G-A.
Other names: c.-538C>T (NM_001382777.1); c.-780C>T (NM_001382778.1); short protein forms S48F.
Identifiers: ClinVar variation 1496085 (VCV001496085.8), dbSNP rs781773909, ClinGen allele CA1523856.

ClinVar aggregate classification (germline): Uncertain significance (1 of 4 stars; one submission).

Conditions:
Inflammatory skin and bowel disease, neonatal, 1. Identifiers: Orphanet 294023, MedGen C3280501, MONDO:0013693, OMIM 614328.

Allele frequency attached by ClinVar (database versions not stated): gnomAD 0.00001; TOPMed 0.00001.
gnomAD v4.1: 36 of 1,608,690 alleles (0.0022%); highest among the groups gnomAD compares: Non-Finnish European, 0.0031%; no homozygotes.

Submission:

Labcorp Genetics (formerly Invitae), Labcorp
Classification: Uncertain significance for Inflammatory skin and bowel disease, neonatal, 1. Last evaluated: 2022-07-22. Review status: criteria provided, single submitter. Criteria: Invitae Variant Classification Sherloc (09022015). Collection method: clinical testing. Allele origin: germline.
Comment: In summary, the available evidence is currently insufficient to determine the role of this variant in disease. Therefore, it has been classified as a Variant of Uncertain Significance. Algorithms developed to predict the effect of missense changes on protein structure and function are either unavailable or do not agree on the potential impact of this missense change (SIFT: "Not Available"; PolyPhen-2: "Possibly Damaging"; Align-GVGD: "Not Available"). ClinVar contains an entry for this variant (Variation ID: 1496085). This variant has not been reported in the literature in individuals affected with ADAM17-related conditions. This variant is present in population databases (rs781773909, gnomAD 0.003%). This sequence change replaces serine, which is neutral and polar, with phenylalanine, which is neutral and non-polar, at codon 48 of the ADAM17 protein (p.Ser48Phe).